The following is an entry in ClinVar:

ClinVar aggregate classification (germline): Pathogenic (1 of 4 stars; one submission).

Conditions:
Vanishing white matter disease. Also called: CACH syndrome; Childhood ataxia with diffuse central nervous system hypomyelination; Leukoencephalopathy with vanishing white matter; CACH/VWM syndrome; Cree leukoencehalopathy. Identifiers: Orphanet 135, Orphanet 99853, MedGen C1858991, MONDO:0800448.

Submission:

Women's Health and Genetics/Laboratory Corporation of America, LabCorp
Classification: Pathogenic for Vanishing white matter disease. Last evaluated: 2023-12-15. Review status: criteria provided, single submitter. Criteria: LabCorp Variant Classification Summary - May 2015. Collection method: clinical testing. Allele origin: germline.
Comment: Variant summary: EIF2B5 c.1930G>T (p.Glu644X) results in a premature termination codon, predicted to cause a truncation of the encoded protein or absence of the protein due to nonsense mediated decay, which are commonly known mechanisms for disease. The variant was absent in 251458 control chromosomes. To our knowledge, no occurrence of c.1930G>T in individuals affected with Leukoencephalopathy With Vanishing White Matter and no experimental evidence demonstrating its impact on protein function have been reported. No submitters have cited clinical-significance assessments for this variant to ClinVar after 2014. Based on the evidence outlined above, the variant was classified as pathogenic.

NM_003907.3(EIF2B5):c.1930G>T (p.Glu644Ter)

Gene: EIF2B5 (eukaryotic translation initiation factor 2B subunit epsilon; plus strand). Cytogenetic location: 3q27.1.
Variant type: single nucleotide variant.
Coding change: c.1930G>T on transcript NM_003907.3 (MANE Select); coding-DNA position 1930, G replaced by T.
Protein change: p.Glu644Ter; replaces glutamic acid 644 with a stop codon.
Molecular consequence: nonsense.
Genome position (GRCh38, 1-based): chr3:184,144,159, G>T. VCF-style: chr3-184144159-G-T. GRCh37 (hg19) VCF-style: chr3-183861947-G-T.
Other names: short protein forms E644*.
Identifiers: ClinVar variation 2691284 (VCV002691284.1), dbSNP rs2473672855, ClinGen allele CA355394416.